The following is an entry in ClinVar:

ClinVar aggregate classification (germline): Uncertain significance (1 of 4 stars; one submission).

Conditions:
Hereditary cancer-predisposing syndrome. Also called: Neoplastic Syndromes, Hereditary; Tumor predisposition; Hereditary neoplastic syndrome; Hereditary Cancer Syndrome. Identifiers: Orphanet 140162, MedGen C0027672, MeSH D009386, MONDO:0015356.
Cardiovascular phenotype. Identifiers: MedGen CN230736.

Submission:

Ambry Genetics
Classification: Uncertain significance for Cardiovascular phenotype; Hereditary cancer-predisposing syndrome. Last evaluated: 2024-01-14. Review status: criteria provided, single submitter. Criteria: Ambry Variant Classification Scheme 2023. Collection method: clinical testing. Allele origin: germline.
Comment: The p.D531H variant (also known as c.1591G>C), located in coding exon 14 of the LZTR1 gene, results from a G to C substitution at nucleotide position 1591. The aspartic acid at codon 531 is replaced by histidine, an amino acid with similar properties. This amino acid position is highly conserved in available vertebrate species. In addition, this alteration is predicted to be deleterious by in silico analysis. Since supporting evidence is limited at this time, the clinical significance of this alteration remains unclear.

NM_006767.4(LZTR1):c.1591G>C (p.Asp531His)

Gene: LZTR1 (leucine zipper like post translational regulator 1; plus strand). Cytogenetic location: 22q11.21.
Variant type: single nucleotide variant.
Coding change: c.1591G>C on transcript NM_006767.4 (MANE Select); coding-DNA position 1591, G replaced by C.
Protein change: p.Asp531His; replaces aspartic acid 531 with histidine.
Molecular consequence: missense variant.
Genome position (GRCh38, 1-based): chr22:20,994,245, G>C. VCF-style: chr22-20994245-G-C. GRCh37 (hg19) VCF-style: chr22-21348534-G-C.
Other names: short protein forms D531H.
Identifiers: ClinVar variation 3238106 (VCV003238106.1), dbSNP rs138615487.
Genomic context (GRCh38, chr22:20,994,245, plus strand): 5'-GTGGCCATCCGGGAGGCCGAGGCCCGGCCCTTCGAGGTGCTCATGCAGTTCCTCTACACC[G>C]ACAAGATCAAATACCCACGGAAAGGTCCGCCTGGGTGGGGGTGGAGCAGGGTTGGTGTGG-3'
Protein context (NP_006758.2, residues 521-541): FEVLMQFLYT[Asp531His]KIKYPRKGHV